The following is an entry in ClinVar:

NM_000719.7(CACNA1C):c.5766G>A (p.Leu1922=)

Genes: CACNA1C (calcium voltage-gated channel subunit alpha1 C; plus strand), CACNA1C-AS1 (CACNA1C antisense RNA 1; minus strand). Cytogenetic location: 12p13.33.
Variant type: single nucleotide variant.
Coding change: c.5766G>A on transcript NM_000719.7 (MANE Select); coding-DNA position 5766, G replaced by A.
Protein change: p.Leu1922=; no amino-acid change (leucine 1922 retained).
Molecular consequence: synonymous variant.
Genome position (GRCh38, 1-based): chr12:2,686,251, G>A. VCF-style: chr12-2686251-G-A. GRCh37 (hg19) VCF-style: chr12-2795417-G-A.
Other names: c.5910G>A, p.Leu1970= (NM_001129827.2); c.5889G>A, p.Leu1963= (NM_001129829.2); c.5871G>A, p.Leu1957= (NM_001129830.3, NM_001167624.3); c.5850G>A, p.Leu1950= (NM_001129831.2); c.5826G>A, p.Leu1942= (NM_001129832.2); c.5823G>A, p.Leu1941= (NM_001129833.2, NM_001129834.2, NM_001129835.2); c.5817G>A, p.Leu1939= (NM_001129836.2); c.5790G>A, p.Leu1930= (NM_001129837.2, NM_001129838.2); and 6 more.
Identifiers: ClinVar variation 3060892 (VCV003060892.4), dbSNP rs2097477337, ClinGen allele CA477902784.

ClinVar aggregate classification (germline): Likely benign. Review status: criteria provided, single submitter (1 of 4 stars). 2 submissions from 2 submitters: Likely benign (1). 1 of the submissions does not count toward it. Last evaluated 2025-02-12.

Conditions:
CACNA1C-related disorder. Also called: CACNA1C-related condition; CACNA1C-related disorders. Identifiers: MedGen CN381092, MONDO:0700321.
Long QT syndrome (LQTS). Identifiers: MedGen C0023976, MeSH D008133, MONDO:0002442. Disease mechanism: loss of function. Inheritance: Various modes of inheritance.

Allele frequency attached by ClinVar (database versions not stated): TOPMed below 0.00001.

Submissions (2):

Labcorp Genetics (formerly Invitae), Labcorp
Classification: Likely benign for Long QT syndrome. Last evaluated: 2025-02-12. Review status: criteria provided, single submitter. Criteria: Invitae Variant Classification Sherloc (09022015). Collection method: clinical testing. Allele origin: germline.

PreventionGenetics, part of Exact Sciences
Classification: Likely benign for CACNA1C-related condition. Last evaluated: 2023-03-22. Review status: no assertion criteria provided. Collection method: clinical testing. Allele origin: germline. Not counted in ClinVar's aggregate classification.
Comment: This variant is classified as likely benign based on ACMG/AMP sequence variant interpretation guidelines (Richards et al. 2015 PMID: 25741868, with internal and published modifications).